The following is an entry in ClinVar:

ClinVar aggregate classification (germline): Pathogenic. Review status: criteria provided, multiple submitters, no conflicts (2 of 4 stars). 6 submissions from 6 submitters: Pathogenic (5). 1 of the submissions does not count toward it. Last evaluated 2025-07-09.

Conditions:
Pheochromocytoma/paraganglioma syndrome 1. Also called: Paraganglioma - glomus jugulare; PARAGANGLIOMATA; PARAGANGLIOMAS, FAMILIAL NONCHROMAFFIN, 1; PGL 1; Paragangliomas familial 1; Paragangliomas 1. Identifiers: Orphanet 29072, MedGen C3494181, MONDO:0008192, OMIM 168000.
Carney-Stratakis syndrome. Also called: PARAGANGLIOMA AND GASTROINTESTINAL STROMAL TUMOR. Identifiers: Orphanet 97286, MedGen C1847319, MONDO:0011740, OMIM 606864.
Mitochondrial complex 2 deficiency, nuclear type 3. Also called: MITOCHONDRIAL COMPLEX II DEFICIENCY, NUCLEAR TYPE 3. Identifiers: MedGen C5436934, MONDO:0030937, OMIM 619167.
Pheochromocytoma. Also called: MAX-Related Hereditary Paraganglioma-Pheochromocytoma Syndrome. Identifiers: Orphanet 29072, MedGen C0031511, MONDO:0008233, OMIM 171300, HP:0002666.
Paragangliomas with sensorineural hearing loss. Identifiers: MedGen C1868633.
Cowden syndrome 3 (CWS3). Identifiers: Orphanet 201, MedGen CN166604, MONDO:0014045.
Hereditary cancer-predisposing syndrome. Also called: Tumor predisposition; Hereditary neoplastic syndrome; Hereditary Cancer Syndrome; Neoplastic Syndromes, Hereditary. Identifiers: Orphanet 140162, MedGen C0027672, MeSH D009386, MONDO:0015356.
Hereditary pheochromocytoma and paraganglioma. Also called: Hereditary paragangliomas and pheochromocytomas; Hereditary pheochromocytoma-paraganglioma; Hereditary Paraganglioma-Pheochromocytoma Syndromes. Identifiers: Orphanet 29072, MedGen C4274332, MONDO:0017366.

Submissions (6):

Color Diagnostics, LLC DBA Color Health
Classification: Pathogenic for Hereditary pheochromocytoma and paraganglioma. Last evaluated: 2025-07-09. Review status: criteria provided, single submitter. Criteria: ACMG Guidelines, 2015. Collection method: clinical testing. Allele origin: germline.
Comment: This variant deletes 2 nucleotides in exon 2 of the SDHD gene, creating a frameshift and premature translation stop signal. This variant is expected to result in an absent or non-functional protein product. This variant has been reported in numerous individuals and families affected with paraganglioma and/or pheochromocytoma (PMID: 11323050, 11391796, 19072999, 23072324, 24134185, 33748650) and has been observed to segregate with disease in related individuals (PMID: 11323050, 11391796, 19072999). This variant has not been identified in the general population by the Genome Aggregation Database (gnomAD). Loss of SDHD function is a known mechanism of disease. Based on the available evidence, this variant is classified as Pathogenic.

Ambry Genetics
Classification: Pathogenic for Hereditary cancer-predisposing syndrome. Last evaluated: 2025-07-08. Review status: criteria provided, single submitter. Criteria: Ambry Variant Classification Scheme 2023. Collection method: clinical testing. Allele origin: germline.
Comment: The c.94_95delTC pathogenic mutation, located in coding exon 2 of the SDHD gene, results from a deletion of two nucleotides at nucleotide positions 94 to 95, causing a translational frameshift with a predicted alternate stop codon (p.A33Ifs*35). This variant was reported in individual(s) with features consistent with SDHD-related hereditary pheochromocytoma-paraganglioma (Astuti et al. Lancet. 2001. 357(9263):1181-1182; Marvin et al. Head and Neck. 2009.31(5): 689-694). Note, this variant is also referred to as F933>X67 in the literature. This variant is considered to be rare based on population cohorts in the Genome Aggregation Database (gnomAD). This alteration is expected to result in loss of function by premature protein truncation or nonsense-mediated mRNA decay. As such, this alteration is interpreted as a disease-causing mutation.

GeneDx
Classification: Pathogenic. Last evaluated: 2024-11-14. Review status: criteria provided, single submitter. Criteria: GeneDx Variant Classification Process June 2021. Collection method: clinical testing. Allele origin: germline. Affected: yes.
Comment: Frameshift variant predicted to result in protein truncation or nonsense mediated decay in a gene for which loss of function is a known mechanism of disease; Not observed at significant frequency in large population cohorts (gnomAD); This variant is associated with the following publications: (PMID: 25394176, 24134185, 19072999, 11323050, 19802898, 23072324, 19576851, 22517557, 33219105)

Department of Pathology and Laboratory Medicine, Sinai Health System
Classification: Pathogenic for Pheochromocytoma/paraganglioma syndrome 1; Carney-Stratakis syndrome; Mitochondrial complex 2 deficiency, nuclear type 3. Last evaluated: 2024-01-03. Review status: criteria provided, single submitter. Criteria: ACMG Guidelines, 2015. Collection method: clinical testing. Allele origin: germline. Affected: no.

Labcorp Genetics (formerly Invitae), Labcorp
Classification: Pathogenic for Carney-Stratakis syndrome; Paragangliomas with sensorineural hearing loss; Pheochromocytoma; Cowden syndrome 3. Last evaluated: 2022-12-14. Review status: criteria provided, single submitter. Criteria: Invitae Variant Classification Sherloc (09022015). Collection method: clinical testing. Allele origin: germline.
Comment: This variant is not present in population databases (gnomAD no frequency). For these reasons, this variant has been classified as Pathogenic. ClinVar contains an entry for this variant (Variation ID: 6908). This variant is also known as F933>X67. This premature translational stop signal has been observed in individual(s) with pheochromocytoma and/or paraganglioma (PMID: 11323050, 19072999). It has also been observed to segregate with disease in related individuals. This sequence change creates a premature translational stop signal (p.Ala33Ilefs*35) in the SDHD gene. It is expected to result in an absent or disrupted protein product. Loss-of-function variants in SDHD are known to be pathogenic (PMID: 19454582, 19802898).

OMIM
Classification: Pathogenic for PHEOCHROMOCYTOMA/PARAGANGLIOMA SYNDROME 1. Last evaluated: 2001-04-14. Review status: no assertion criteria provided. Collection method: literature only. Allele origin: germline. Not counted in ClinVar's aggregate classification.

Literature cited by the submitters: PubMed 11323050 (cited by 5 submitters); PubMed 11391796 (cited by Color Diagnostics, LLC DBA Color Health and Ambry Genetics); PubMed 19072999 (cited by 4 submitters); PubMed 23072324 (cited by Color Diagnostics, LLC DBA Color Health); PubMed 24134185 (cited by Color Diagnostics, LLC DBA Color Health); PubMed 33748650 (cited by Color Diagnostics, LLC DBA Color Health); PubMed 19802898 (cited by Ambry Genetics and Labcorp Genetics (formerly Invitae), Labcorp); PubMed 19454582 (cited by Labcorp Genetics (formerly Invitae), Labcorp).

NM_003002.4(SDHD):c.94_95del (p.Ala33fs)

Gene: SDHD (succinate dehydrogenase complex subunit D; plus strand). Cytogenetic location: 11q23.1.
Variant type: Microsatellite.
Coding change: c.94_95del on transcript NM_003002.4 (MANE Select); coding-DNA positions 94 to 95, 2 bases deleted (TC; older notation c.94_95delTC).
Protein change: p.Ala33fs; shifts the reading frame from alanine 33.
Molecular consequence: frameshift variant. On other transcripts: non-coding transcript variant (1), intron variant (1).
Genome position (GRCh38, 1-based): chr11:112,087,898-112,087,899, TC deleted; deleting any 2 consecutive bases within chr11:112,087,896-112,087,899 gives the same sequence; the c. name uses the placement nearest the transcript's 3' end. VCF-style (leftmost placement, unchanged base first): chr11-112087895-ATC-A. GRCh37 (hg19) VCF-style: chr11-111958619-ATC-A.
Other names: c.94_95delTC (NM_003002.3, NM_003002.2); c.94_95del (NM_003002.2); c.94_95del, p.Ala33fs (NM_001276503.2, NM_001276506.2); c.52+939_52+940del (NM_001276504.2); short protein forms A33fs.
Identifiers: ClinVar variation 6908 (VCV000006908.25), dbSNP rs397514034, ClinGen allele CA017100.